The following is an entry in ClinVar:

ClinVar aggregate classification (germline): Likely pathogenic (1 of 4 stars; one submission).

Conditions:
Familial cancer of breast. Also called: BREAST CANCER, FAMILIAL; hereditary breast carcinoma; Hereditary breast cancer. Identifiers: Orphanet 227535, MedGen C0346153, MONDO:0016419, OMIM 114480. Disease mechanism: loss of function.

Submission:

Myriad Genetics, Inc.
Classification: Likely pathogenic for Familial cancer of breast. Last evaluated: 2023-06-06. Review status: criteria provided, single submitter. Criteria: Myriad Autosomal Dominant, Autosomal Recessive and X-Linked Classification Criteria (2023). Collection method: clinical testing. Allele origin: unknown.
Comment: This variant is considered likely pathogenic. This variant occurs within a consensus splice junction and is predicted to result in abnormal mRNA splicing of either an out-of-frame exon or an in-frame exon necessary for protein stability and/or normal function.

NM_032043.3(BRIP1):c.2258-2A>C

Gene: BRIP1 (BRCA1 interacting DNA helicase 1; minus strand). Cytogenetic location: 17q23.2.
Variant type: single nucleotide variant.
Coding change: c.2258-2A>C on transcript NM_032043.3 (MANE Select); the canonical splice acceptor site of the intron before coding-DNA position 2258, A replaced by C.
Molecular consequence: splice acceptor variant.
Genome position (GRCh38, 1-based): chr17:61,743,136, T>G on the plus strand (A>C on the coding strand, the complement: BRIP1 is on the minus strand). VCF-style: chr17-61743136-T-G. GRCh37 (hg19) VCF-style: chr17-59820497-T-G.
Identifiers: ClinVar variation 2584289 (VCV002584289.2), dbSNP rs2144680456, ClinGen allele CA400482773.